The following is an entry in ClinVar:

NM_000179.3(MSH6):c.1845T>G (p.Cys615Trp)

Gene: MSH6 (mutS homolog 6; plus strand). Cytogenetic location: 2p16.3.
Variant type: single nucleotide variant.
Coding change: c.1845T>G on transcript NM_000179.3 (MANE Select); coding-DNA position 1845, T replaced by G.
Protein change: p.Cys615Trp; replaces cysteine 615 with tryptophan.
Molecular consequence: missense variant.
Genome position (GRCh38, 1-based): chr2:47,799,828, T>G. VCF-style: chr2-47799828-T-G. GRCh37 (hg19) VCF-style: chr2-48026967-T-G.
Other names: c.1455T>G, p.Cys485Trp (NM_001281492.2); c.939T>G, p.Cys313Trp (NM_001281493.2, NM_001281494.2, NM_001406811.1 and 6 more transcripts); c.1941T>G, p.Cys647Trp (NM_001406795.1, NM_001406802.1); c.1845T>G, p.Cys615Trp (NM_001406796.1, NM_001406798.1, NM_001406800.1 and 3 more transcripts); c.1548T>G, p.Cys516Trp (NM_001406797.1, NM_001406801.1, NM_001406805.1 and 10 more transcripts); c.1320T>G, p.Cys440Trp (NM_001406799.1, NM_001406806.1, NM_001406807.1); c.1767T>G, p.Cys589Trp (NM_001406804.1); c.1851T>G, p.Cys617Trp (NM_001406813.1); and 1 more; short protein forms C313W, C440W, C485W, C516W, C559W, C589W, C615W, C617W.
Identifiers: ClinVar variation 2421145 (VCV002421145.7), dbSNP rs2104371246, ClinGen allele CA346749664.

ClinVar aggregate classification (germline): Uncertain significance (1 of 4 stars; one submission).

Conditions:
Hereditary nonpolyposis colorectal neoplasms. Identifiers: MedGen C0009405, MeSH D003123.

Submission:

Labcorp Genetics (formerly Invitae), Labcorp
Classification: Uncertain significance for Hereditary nonpolyposis colorectal neoplasms. Last evaluated: 2022-08-22. Review status: criteria provided, single submitter. Criteria: Invitae Variant Classification Sherloc (09022015). Collection method: clinical testing. Allele origin: germline.
Comment: Advanced modeling of protein sequence and biophysical properties (such as structural, functional, and spatial information, amino acid conservation, physicochemical variation, residue mobility, and thermodynamic stability) performed at Invitae indicates that this missense variant is not expected to disrupt MSH6 protein function. This variant has not been reported in the literature in individuals affected with MSH6-related conditions. This variant is not present in population databases (gnomAD no frequency). This sequence change replaces cysteine, which is neutral and slightly polar, with tryptophan, which is neutral and slightly polar, at codon 615 of the MSH6 protein (p.Cys615Trp). In summary, the available evidence is currently insufficient to determine the role of this variant in disease. Therefore, it has been classified as a Variant of Uncertain Significance.